The following is an entry in ClinVar:

ClinVar aggregate classification (germline): Uncertain significance (1 of 4 stars; one submission).

Conditions:
Primary ciliary dyskinesia. Also called: Ciliary dyskinesia. Identifiers: Orphanet 244, MedGen C0008780, MONDO:0016575, HP:0012265.

gnomAD v4.1: 2 of 1,613,976 alleles (0.00012%); highest among the groups gnomAD compares: Non-Finnish European, 0.00017%; no homozygotes.

Submission:

Ambry Genetics
Classification: Uncertain significance for Primary ciliary dyskinesia. Last evaluated: 2024-05-02. Review status: criteria provided, single submitter. Criteria: Ambry Variant Classification Scheme 2023. Collection method: clinical testing. Allele origin: germline.
Comment: The p.L4380V variant (also known as c.13138C>G), located in coding exon 76 of the DNAH5 gene, results from a C to G substitution at nucleotide position 13138. The leucine at codon 4380 is replaced by valine, an amino acid with highly similar properties. This amino acid position is conserved. In addition, this alteration is predicted to be tolerated by in silico analysis. Based on the available evidence, the clinical significance of this variant remains unclear.

NM_001369.3(DNAH5):c.13138C>G (p.Leu4380Val)

Gene: DNAH5 (dynein axonemal heavy chain 5; minus strand). Cytogenetic location: 5p15.2.
Variant type: single nucleotide variant.
Coding change: c.13138C>G on transcript NM_001369.3 (MANE Select); coding-DNA position 13138, C replaced by G.
Protein change: p.Leu4380Val; replaces leucine 4380 with valine.
Molecular consequence: missense variant.
Genome position (GRCh38, 1-based): chr5:13,708,323, G>C on the plus strand (C>G on the coding strand, the complement: DNAH5 is on the minus strand). VCF-style: chr5-13708323-G-C. GRCh37 (hg19) VCF-style: chr5-13708432-G-C.
Other names: short protein forms L4380V.
Identifiers: ClinVar variation 3272851 (VCV003272851.1).